The following is an entry in ClinVar:

ClinVar aggregate classification (germline): Uncertain significance (1 of 4 stars; one submission).

Conditions:
Multiple endocrine neoplasia, type 2 (MEN2). Identifiers: Orphanet 653, MedGen C4048306, MONDO:0019003. Disease mechanism: gain of function.

Allele frequency attached by ClinVar (database versions not stated): gnomAD exomes below 0.00001; ExAC 0.00001.

Submission:

Labcorp Genetics (formerly Invitae), Labcorp
Classification: Uncertain significance for Multiple endocrine neoplasia, type 2. Last evaluated: 2021-05-07. Review status: criteria provided, single submitter. Criteria: Invitae Variant Classification Sherloc (09022015). Collection method: clinical testing. Allele origin: germline.
Comment: In summary, the available evidence is currently insufficient to determine the role of this variant in disease. Therefore, it has been classified as a Variant of Uncertain Significance. Algorithms developed to predict the effect of missense changes on protein structure and function are either unavailable or do not agree on the potential impact of this missense change (SIFT: "Tolerated"; PolyPhen-2: "Possibly Damaging"; Align-GVGD: "Class C0"). This variant has not been reported in the literature in individuals with RET-related conditions. This variant is present in population databases (rs750501039, ExAC 0.002%). This sequence change replaces isoleucine with valine at codon 1057 of the RET protein (p.Ile1057Val). The isoleucine residue is highly conserved and there is a small physicochemical difference between isoleucine and valine.

NM_020975.6(RET):c.3169A>G (p.Ile1057Val)

Gene: RET (ret proto-oncogene; plus strand). Cytogenetic location: 10q11.21.
Variant type: single nucleotide variant.
Coding change: c.3169A>G on transcript NM_020975.6 (MANE Select); coding-DNA position 3169, A replaced by G.
Protein change: p.Ile1057Val; replaces isoleucine 1057 with valine.
Molecular consequence: missense variant.
Genome position (GRCh38, 1-based): chr10:43,126,704, A>G. VCF-style: chr10-43126704-A-G. GRCh37 (hg19) VCF-style: chr10-43622152-A-G.
Other names: c.3169A>G, p.Ile1057Val (NM_000323.2, NM_001406743.1, NM_001406744.1 and 2 more transcripts); c.2407A>G, p.Ile803Val (NM_001355216.2); c.3040A>G, p.Ile1014Val (NM_001406761.1, NM_001406762.1, NM_001406764.1); c.3034A>G, p.Ile1012Val (NM_001406763.1, NM_001406765.1); c.2881A>G, p.Ile961Val (NM_001406766.1, NM_001406767.1, NM_001406770.1); c.2905A>G, p.Ile969Val (NM_001406768.1); c.2773A>G, p.Ile925Val (NM_001406769.1, NM_001406772.1); c.2731A>G, p.Ile911Val (NM_001406771.1, NM_001406773.1); and 10 more; short protein forms I1057V, I803V, I1012V, I1014V, I882V, I911V, I574V, I758V.
Identifiers: ClinVar variation 1447038 (VCV001447038.9), dbSNP rs750501039, ClinGen allele CA042887.